The following is an entry in ClinVar:

NM_000417.3(IL2RA):c.656-11_656-10del

Gene: IL2RA (interleukin 2 receptor subunit alpha; minus strand). Cytogenetic location: 10p15.1.
Variant type: Microsatellite.
Coding change: c.656-11_656-10del on transcript NM_000417.3 (MANE Select); 11 bases into the intron before coding-DNA position 656 through 10 bases into the intron before coding-DNA position 656, 2 bases deleted (CT; older notation c.656-11_656-10delCT).
Molecular consequence: intron variant.
Genome position (GRCh38, 1-based): chr10:6,019,509-6,019,510, AG deleted on the plus strand (CT on the coding strand, the reverse complement: IL2RA is on the minus strand); deleting any 2 consecutive bases within chr10:6,019,509-6,019,513 gives the same sequence; the c. name uses the placement nearest the transcript's 3' end. VCF-style (leftmost placement, unchanged base first): chr10-6019508-AAG-A. GRCh37 (hg19) VCF-style: chr10-6061471-AAG-A.
Other names: c.656-11_656-10delCT (NM_000417.3); c.656-11_656-10del (NM_000417.2); c.368-11_368-10del (NM_001308243.2); c.440-11_440-10del (NM_001308242.2).
Identifiers: ClinVar variation 737269 (VCV000737269.11), dbSNP rs780223643, ClinGen allele CA5397355.

ClinVar aggregate classification (germline): Likely benign. Review status: criteria provided, multiple submitters, no conflicts (2 of 4 stars). 2 submissions from 2 submitters: Likely benign (2). Last evaluated 2025-12-15.

Conditions:
Immunodeficiency due to CD25 deficiency. Also called: CD25 DEFICIENCY; IMMUNODEFICIENCY 41 WITH LYMPHOPROLIFERATION AND AUTOIMMUNITY; IL2RA DEFICIENCY. Identifiers: Orphanet 169100, MedGen C1853392, MONDO:0011664, OMIM 606367.

Submissions (2):

Women's Health and Genetics/Laboratory Corporation of America, LabCorp
Classification: Likely benign. Last evaluated: 2025-12-15. Review status: criteria provided, single submitter. Criteria: LabCorp Variant Classification Summary - May 2015. Collection method: clinical testing. Allele origin: germline.
Comment: Variant summary: IL2RA c.656-11_656-10delCT alters a nucleotide located at a position not widely known to affect splicing. Consensus agreement among computation tools predict no significant impact on normal splicing. However, these predictions have yet to be confirmed by functional studies. The variant allele was found at a frequency of 3.9e-05 in 282896 control chromosomes. This frequency is not significantly higher than estimated for disease-causing variants in IL2RA, allowing no conclusion about variant significance. To our knowledge, no occurrence of c.656-11_656-10delCT in individuals affected with IL2RA-related conditions and no experimental evidence demonstrating its impact on protein function have been reported. ClinVar contains an entry for this variant (Variation ID: 737269). Based on the evidence outlined above, the variant was classified as likely benign.

Labcorp Genetics (formerly Invitae), Labcorp
Classification: Likely benign for Immunodeficiency due to CD25 deficiency. Last evaluated: 2025-08-06. Review status: criteria provided, single submitter. Criteria: Invitae Variant Classification Sherloc (09022015). Collection method: clinical testing. Allele origin: germline.